The following is an entry in ClinVar:

NM_144997.7(FLCN):c.543C>T (p.Tyr181=)

Gene: FLCN (folliculin; minus strand). Cytogenetic location: 17p11.2.
Variant type: single nucleotide variant.
Coding change: c.543C>T on transcript NM_144997.7 (MANE Select); coding-DNA position 543, C replaced by T.
Protein change: p.Tyr181=; no amino-acid change (tyrosine 181 retained).
Molecular consequence: synonymous variant.
Genome position (GRCh38, 1-based): chr17:17,223,997, G>A on the plus strand (C>T on the coding strand, the complement: FLCN is on the minus strand). VCF-style: chr17-17223997-G-A. GRCh37 (hg19) VCF-style: chr17-17127311-G-A.
Other names: c.597C>T, p.Tyr199= (NM_001353229.2); c.543C>T, p.Tyr181= (NM_001353230.2, NM_001353231.2, NM_144606.7); c.543C>T (NM_144997.5).
Identifiers: ClinVar variation 1668087 (VCV001668087.11), dbSNP rs2144974962, ClinGen allele CA498166173.

ClinVar aggregate classification (germline): Benign/Likely benign. Review status: criteria provided, multiple submitters, no conflicts (2 of 4 stars). 3 submissions from 3 submitters: Benign (1); Likely benign (2). Last evaluated 2025-08-10.

Conditions:
Hereditary cancer-predisposing syndrome. Also called: Hereditary neoplastic syndrome; Hereditary Cancer Syndrome; Tumor predisposition; Neoplastic Syndromes, Hereditary. Identifiers: Orphanet 140162, MedGen C0027672, MeSH D009386, MONDO:0015356.
Birt-Hogg-Dube syndrome 1 (BHD1). Also called: FIBROFOLLICULOMAS WITH TRICHODISCOMAS AND ACROCHORDONS. Identifiers: Orphanet 122, MedGen CN375946, MONDO:0800445, OMIM 135150.
Birt-Hogg-Dube syndrome. Also called: Birt Hogg Dubé syndrome. Identifiers: Orphanet 122, MedGen C0346010, MONDO:0800444.

Submissions (3):

Labcorp Genetics (formerly Invitae), Labcorp
Classification: Likely benign for Birt-Hogg-Dube syndrome. Last evaluated: 2025-08-10. Review status: criteria provided, single submitter. Criteria: Invitae Variant Classification Sherloc (09022015). Collection method: clinical testing. Allele origin: germline.

Myriad Genetics, Inc.
Classification: Benign for Birt-Hogg-Dube syndrome 1. Last evaluated: 2024-10-23. Review status: criteria provided, single submitter. Criteria: Myriad Autosomal Dominant, Autosomal Recessive and X-Linked Classification Criteria (2023). Collection method: clinical testing. Allele origin: unknown.
Comment: This variant is considered benign. This variant is a silent/synonymous amino acid change and it is not expected to impact splicing.

Ambry Genetics
Classification: Likely benign for Hereditary cancer-predisposing syndrome. Last evaluated: 2023-07-15. Review status: criteria provided, single submitter. Criteria: Ambry Variant Classification Scheme 2023. Collection method: clinical testing. Allele origin: germline.